The following is an entry in ClinVar:

NM_004525.3(LRP2):c.592C>T (p.Arg198Cys)

Gene: LRP2 (LDL receptor related protein 2; minus strand). Cytogenetic location: 2q31.1.
Variant type: single nucleotide variant.
Coding change: c.592C>T on transcript NM_004525.3 (MANE Select); coding-DNA position 592, C replaced by T.
Protein change: p.Arg198Cys; replaces arginine 198 with cysteine.
Molecular consequence: missense variant.
Genome position (GRCh38, 1-based): chr2:169,294,208, G>A on the plus strand (C>T on the coding strand, the complement: LRP2 is on the minus strand). VCF-style: chr2-169294208-G-A. GRCh37 (hg19) VCF-style: chr2-170150718-G-A.
Other names: short protein forms R198C.
Identifiers: ClinVar variation 1958872 (VCV001958872.3), dbSNP rs777216431, ClinGen allele CA1955818.

ClinVar aggregate classification (germline): Uncertain significance. Review status: criteria provided, multiple submitters, no conflicts (2 of 4 stars). 2 submissions from 2 submitters: Uncertain significance (2). Last evaluated 2024-05-31.

Conditions:
Donnai-Barrow syndrome. Also called: DBS/FOAR SYNDROME; FACIOOCULOACOUSTICORENAL SYNDROME. Identifiers: Orphanet 2143, MedGen C1857277, MONDO:0009104, OMIM 222448.

Allele frequency attached by ClinVar (database versions not stated): gnomAD 0.00002.
gnomAD v4.1: 30 of 1,613,764 alleles (0.0019%); highest among the groups gnomAD compares: Middle Eastern, 0.016%; no homozygotes.

Submissions (2):

Fulgent Genetics
Classification: Uncertain significance for Donnai-Barrow syndrome. Last evaluated: 2024-05-31. Review status: criteria provided, single submitter. Criteria: ACMG Guidelines, 2015. Collection method: clinical testing. Allele origin: germline.

Labcorp Genetics (formerly Invitae), Labcorp
Classification: Uncertain significance. Last evaluated: 2022-08-31. Review status: criteria provided, single submitter. Criteria: Invitae Variant Classification Sherloc (09022015). Collection method: clinical testing. Allele origin: germline.
Comment: This sequence change replaces arginine, which is basic and polar, with cysteine, which is neutral and slightly polar, at codon 198 of the LRP2 protein (p.Arg198Cys). This variant is present in population databases (rs777216431, gnomAD 0.004%). This variant has not been reported in the literature in individuals affected with LRP2-related conditions. Algorithms developed to predict the effect of missense changes on protein structure and function are either unavailable or do not agree on the potential impact of this missense change (SIFT: "Tolerated"; PolyPhen-2: "Possibly Damaging"; Align-GVGD: "Class C0"). In summary, the available evidence is currently insufficient to determine the role of this variant in disease. Therefore, it has been classified as a Variant of Uncertain Significance.